The following is an entry in ClinVar:

NM_023067.4(FOXL2):c.926del (p.Pro309fs)

Gene: FOXL2 (forkhead box L2; minus strand). Cytogenetic location: 3q22.3.
Variant type: Deletion.
Coding change: c.926del on transcript NM_023067.4 (MANE Select); coding-DNA position 926, one base deleted (C; older notation c.926delC).
Protein change: p.Pro309fs; shifts the reading frame from proline 309.
Molecular consequence: frameshift variant.
Genome position (GRCh38, 1-based): chr3:138,945,797, G deleted on the plus strand (C on the coding strand, the reverse complement: FOXL2 is on the minus strand); the first of 4 consecutive G bases (chr3:138,945,797-138,945,800); deleting any one gives the same sequence. VCF-style (leftmost placement, unchanged base first): chr3-138945796-TG-T. GRCh37 (hg19) VCF-style: chr3-138664638-TG-T.
Other names: short protein forms P309fs.
Identifiers: ClinVar variation 3384077 (VCV003384077.1).

ClinVar aggregate classification (germline): Pathogenic (1 of 4 stars; one submission).

Conditions:
Blepharophimosis. Also called: Blepharophimosis (disease). Identifiers: MedGen C0005744, MONDO:0001008, HP:0000581.

Submission:

Dubai Health Genomic Medicine Center, Dubai Health
Classification: Pathogenic for Blepharophimosis. Last evaluated: 2024-10-04. Review status: criteria provided, single submitter. Criteria: ACMG Guidelines, 2015. Collection method: research. Allele origin: germline. Affected: yes.
Comment: PVS1,PS2,PM2